The following is an entry in ClinVar:

NM_022463.5(NXN):c.500C>G (p.Pro167Arg)

Gene: NXN (nucleoredoxin; minus strand). Cytogenetic location: 17p13.3.
Variant type: single nucleotide variant.
Coding change: c.500C>G on transcript NM_022463.5 (MANE Select); coding-DNA position 500, C replaced by G.
Protein change: p.Pro167Arg; replaces proline 167 with arginine.
Molecular consequence: missense variant.
Genome position (GRCh38, 1-based): chr17:823,744, G>C on the plus strand (C>G on the coding strand, the complement: NXN is on the minus strand). VCF-style: chr17-823744-G-C. GRCh37 (hg19) VCF-style: chr17-726984-G-C.
Other names: c.176C>G, p.Pro59Arg (NM_001205319.1); short protein forms P59R, P167R.
Identifiers: ClinVar variation 2072049 (VCV002072049.4), dbSNP rs754733360, ClinGen allele CA397492814.

ClinVar aggregate classification (germline): Uncertain significance (1 of 4 stars; one submission).

Submission:

Labcorp Genetics (formerly Invitae), Labcorp
Classification: Uncertain significance. Last evaluated: 2022-08-22. Review status: criteria provided, single submitter. Criteria: Invitae Variant Classification Sherloc (09022015). Collection method: clinical testing. Allele origin: germline.
Comment: In summary, the available evidence is currently insufficient to determine the role of this variant in disease. Therefore, it has been classified as a Variant of Uncertain Significance. Algorithms developed to predict the effect of missense changes on protein structure and function are either unavailable or do not agree on the potential impact of this missense change (SIFT: "Tolerated"; PolyPhen-2: "Probably Damaging"; Align-GVGD: "Class C0"). This variant has not been reported in the literature in individuals affected with NXN-related conditions. This variant is not present in population databases (gnomAD no frequency). This sequence change replaces proline, which is neutral and non-polar, with arginine, which is basic and polar, at codon 167 of the NXN protein (p.Pro167Arg).